The following is an entry in ClinVar:

NM_021973.3(HAND2):c.22C>T (p.Pro8Ser)

Genes: HAND2 (heart and neural crest derivatives expressed 2; minus strand), HAND2-AS1 (HAND2 antisense RNA 1; plus strand). Cytogenetic location: 4q34.1.
Variant type: single nucleotide variant.
Coding change: c.22C>T on transcript NM_021973.3 (MANE Select); coding-DNA position 22, C replaced by T.
Protein change: p.Pro8Ser; replaces proline 8 with serine.
Molecular consequence: missense variant.
Genome position (GRCh38, 1-based): chr4:173,529,268, G>A on the plus strand (C>T on the coding strand, the complement: HAND2 is on the minus strand). VCF-style: chr4-173529268-G-A. GRCh37 (hg19) VCF-style: chr4-174450419-G-A.
Other names: short protein forms P8S.
Identifiers: ClinVar variation 2629263 (VCV002629263.1), dbSNP rs905723042, ClinGen allele CA110739717.

ClinVar aggregate classification (germline): Uncertain significance (1 of 4 stars; one submission).

Conditions:
HAND2-related disorder. Also called: HAND2-related condition.

Allele frequency attached by ClinVar (database versions not stated): gnomAD exomes below 0.00001; gnomAD 0.00004.

Submission:

PreventionGenetics, part of Exact Sciences
Classification: Uncertain significance for HAND2-related condition. Last evaluated: 2023-03-18. Review status: criteria provided, single submitter. Criteria: ACMG Guidelines, 2015. Collection method: clinical testing. Allele origin: germline.
Comment: The HAND2 c.22C>T variant is predicted to result in the amino acid substitution p.Pro8Ser. This variant was reported as a variant of uncertain significance in an individual with Tetrology of Fallot (TOF) and developmental delay (see Patient 12744 in Supplemental Tables 1 and 3 in Ekure et al. 2021. PubMed ID: 33448881). This variant is reported in 0.012% of alleles in individuals of African descent in gnomAD. At this time, the clinical significance of this variant is uncertain due to the absence of conclusive functional and genetic evidence.